The following is an entry in ClinVar:

NM_001292063.2(OTOG):c.8154C>T (p.Asn2718=)

Gene: OTOG (otogelin; plus strand). Cytogenetic location: 11p15.1.
Variant type: single nucleotide variant.
Coding change: c.8154C>T on transcript NM_001292063.2 (MANE Select); coding-DNA position 8154, C replaced by T.
Protein change: p.Asn2718=; no amino-acid change (asparagine 2718 retained).
Molecular consequence: synonymous variant.
Genome position (GRCh38, 1-based): chr11:17,641,055, C>T. VCF-style: chr11-17641055-C-T. GRCh37 (hg19) VCF-style: chr11-17662602-C-T.
Other names: c.8190C>T, p.Asn2730= (NM_001277269.2).
Identifiers: ClinVar variation 3766153 (VCV003766153.1).

ClinVar aggregate classification (germline): Uncertain significance (1 of 4 stars; one submission).

gnomAD v4.1: 2 of 1,546,352 alleles (0.00013%); highest among the groups gnomAD compares: Admixed American, 0.0039%; no homozygotes.

Submission:

GeneDx
Classification: Uncertain significance. Last evaluated: 2025-03-03. Review status: criteria provided, single submitter. Criteria: GeneDx Variant Classification Process June 2021. Collection method: clinical testing. Allele origin: germline. Affected: yes.
Comment: In silico analysis indicates that this variant does not alter splicing; Has not been previously published as pathogenic or benign to our knowledge